The following is an entry in ClinVar:

ClinVar aggregate classification (germline): Uncertain significance. Review status: criteria provided, multiple submitters, no conflicts (2 of 4 stars). 4 submissions from 4 submitters: Uncertain significance (4). Last evaluated 2024-06-10.

Conditions:
Inborn genetic diseases. Identifiers: MedGen C0950123, MeSH D030342.
Glycogen storage disease, type V (GSD5). Also called: MCARDLE DISEASE; MUSCLE GLYCOGEN PHOSPHORYLASE DEFICIENCY; MYOPHOSPHORYLASE DEFICIENCY; McArdle type glycogen storage disease; PYGM DEFICIENCY. Identifiers: Orphanet 368, MedGen C0017924, MONDO:0009293, OMIM 232600.

Allele frequency attached by ClinVar (database versions not stated): gnomAD 0.00001; gnomAD exomes 0.00001 and 0.00002; ExAC 0.00002; TOPMed 0.00002.
gnomAD v4.1: 13 of 1,614,098 alleles (0.00081%); highest among the groups gnomAD compares: Admixed American, 0.0083%; no homozygotes.

Submissions (4):

Ambry Genetics
Classification: Uncertain significance for Inborn genetic diseases. Last evaluated: 2024-06-10. Review status: criteria provided, single submitter. Criteria: Ambry Variant Classification Scheme 2023. Collection method: clinical testing. Allele origin: germline.

Department of Pathology and Laboratory Medicine, Sinai Health System
Classification: Uncertain significance for Glycogen storage disease, type V. Last evaluated: 2023-02-28. Review status: criteria provided, single submitter. Criteria: ACMG Guidelines, 2015. Collection method: research. Allele origin: germline.

Labcorp Genetics (formerly Invitae), Labcorp
Classification: Uncertain significance for Glycogen storage disease, type V. Last evaluated: 2022-06-10. Review status: criteria provided, single submitter. Criteria: Invitae Variant Classification Sherloc (09022015). Collection method: clinical testing. Allele origin: germline.
Comment: This sequence change replaces asparagine, which is neutral and polar, with serine, which is neutral and polar, at codon 685 of the PYGM protein (p.Asn685Ser). This variant is present in population databases (rs765656412, gnomAD 0.009%). This variant has not been reported in the literature in individuals affected with PYGM-related conditions. ClinVar contains an entry for this variant (Variation ID: 1209780). Algorithms developed to predict the effect of missense changes on protein structure and function are either unavailable or do not agree on the potential impact of this missense change (SIFT: "Not Available"; PolyPhen-2: "Probably Damaging"; Align-GVGD: "Not Available"). In summary, the available evidence is currently insufficient to determine the role of this variant in disease. Therefore, it has been classified as a Variant of Uncertain Significance.

Genome-Nilou Lab
Classification: Uncertain significance for Glycogen storage disease, type V. Last evaluated: 2021-07-22. Review status: criteria provided, single submitter. Criteria: ACMG Guidelines, 2015. Collection method: clinical testing. Allele origin: germline. Affected: no.

NM_005609.4(PYGM):c.2054A>G (p.Asn685Ser)

Gene: PYGM (glycogen phosphorylase, muscle associated; minus strand). Cytogenetic location: 11q13.1.
Variant type: single nucleotide variant.
Coding change: c.2054A>G on transcript NM_005609.4 (MANE Select); coding-DNA position 2054, A replaced by G.
Protein change: p.Asn685Ser; replaces asparagine 685 with serine.
Molecular consequence: missense variant.
Genome position (GRCh38, 1-based): chr11:64,750,499, T>C on the plus strand (A>G on the coding strand, the complement: PYGM is on the minus strand). VCF-style: chr11-64750499-T-C. GRCh37 (hg19) VCF-style: chr11-64517971-T-C.
Other names: c.1790A>G, p.Asn597Ser (NM_001164716.1); c.2054A>G (NM_005609.2); short protein forms N597S, N685S.
Identifiers: ClinVar variation 1209780 (VCV001209780.7), dbSNP rs765656412, ClinGen allele CA6079648.